The following is an entry in ClinVar:

ClinVar aggregate classification (germline): Uncertain significance (1 of 4 stars; one submission).

Submission:

Labcorp Genetics (formerly Invitae), Labcorp
Classification: Uncertain significance. Last evaluated: 2025-01-13. Review status: criteria provided, single submitter. Criteria: Invitae Variant Classification Sherloc (09022015). Collection method: clinical testing. Allele origin: germline.
Comment: This sequence change falls in intron 7 of the TNNI3K gene. It does not directly change the encoded amino acid sequence of the TNNI3K protein. This variant is not present in population databases (gnomAD no frequency). This variant has not been reported in the literature in individuals affected with TNNI3K-related conditions. ClinVar contains an entry for this variant (Variation ID: 2854046). Experimental studies and prediction algorithms are not available or were not evaluated, and the effect of this variant on mRNA splicing is currently unknown. In summary, the available evidence is currently insufficient to determine the role of this variant in disease. Therefore, it has been classified as a Variant of Uncertain Significance.

NM_015978.3(TNNI3K):c.682+19_682+29delinsTGATATATA

Genes: FPGT-TNNI3K (FPGT-TNNI3K readthrough; plus strand), TNNI3K (TNNI3 interacting kinase; plus strand). Cytogenetic location: 1p31.1.
Variant type: Indel.
Coding change: c.682+19_682+29delinsTGATATATA on transcript NM_015978.3 (MANE Select); bases 19 to 29 of the intron after coding-DNA position 682, AAGACCTTTGC replaced by TGATATATA.
Molecular consequence: intron variant.
Genome position (GRCh38, 1-based): chr1:74,336,168-74,336,178, AAGACCTTTGC replaced by TGATATATA. VCF-style: chr1-74336168-AAGACCTTTGC-TGATATATA. GRCh37 (hg19) VCF-style: chr1-74801852-AAGACCTTTGC-TGATATATA.
Other names: c.985+19_985+29delinsTGATATATA (NM_001112808.3, NM_001199327.2).
Identifiers: ClinVar variation 2854046 (VCV002854046.3), dbSNP rs2524333467, ClinGen allele CA2739272608.